The following is an entry in ClinVar:

ClinVar aggregate classification (germline): Likely benign (1 of 4 stars; one submission).

Allele frequency attached by ClinVar (database versions not stated): gnomAD exomes 0.00001 and 0.00002; 1000 Genomes Project 0.00040; 1000 Genomes Project 30x 0.00047; ExAC 0.00002; gnomAD 0.00004; TOPMed 0.00006.
gnomAD v4.1: 17 of 1,613,800 alleles (0.0011%); highest among the groups gnomAD compares: Admixed American, 0.022%; no homozygotes.

Submission:

GeneDx
Classification: Likely benign. Last evaluated: 2018-01-25. Review status: criteria provided, single submitter. Criteria: GeneDx Variant Classification (06012015). Collection method: clinical testing. Allele origin: germline. Affected: yes.
Comment: This variant is considered likely benign or benign based on one or more of the following criteria: it is a conservative change, it occurs at a poorly conserved position in the protein, it is predicted to be benign by multiple in silico algorithms, and/or has population frequency not consistent with disease.

NM_003672.4(CDC14A):c.1410C>T (p.Ala470=)

Gene: CDC14A (cell division cycle 14A; plus strand). Cytogenetic location: 1p21.2.
Variant type: single nucleotide variant.
Coding change: c.1410C>T on transcript NM_003672.4 (MANE Select); coding-DNA position 1410, C replaced by T.
Protein change: p.Ala470=; no amino-acid change (alanine 470 retained).
Molecular consequence: synonymous variant.
Genome position (GRCh38, 1-based): chr1:100,498,196, C>T. VCF-style: chr1-100498196-C-T. GRCh37 (hg19) VCF-style: chr1-100963752-C-T.
Other names: c.1410C>T, p.Ala470= (NM_001319210.2, NM_033312.3); c.1236C>T, p.Ala412= (NM_001319211.2); c.531C>T, p.Ala177= (NM_001319212.2).
Identifiers: ClinVar variation 514410 (VCV000514410.1), dbSNP rs551138659, ClinGen allele CA970876.